The following is an entry in ClinVar:

NM_006030.4(CACNA2D2):c.3235G>A (p.Val1079Met)

Genes: CACNA2D2 (calcium voltage-gated channel auxiliary subunit alpha2delta 2; minus strand), LOC127898564 (CYB561D2-LOC101928965; plus strand). Cytogenetic location: 3p21.31.
Variant type: single nucleotide variant.
Coding change: c.3235G>A on transcript NM_006030.4 (MANE Select); coding-DNA position 3235, G replaced by A.
Protein change: p.Val1079Met; replaces valine 1079 with methionine.
Molecular consequence: missense variant.
Genome position (GRCh38, 1-based): chr3:50,364,944, C>T on the plus strand (G>A on the coding strand, the complement: CACNA2D2 is on the minus strand). VCF-style: chr3-50364944-C-T. GRCh37 (hg19) VCF-style: chr3-50402375-C-T.
Other names: c.3241G>A, p.Val1081Met (NM_001005505.3); c.3256G>A, p.Val1086Met (NM_001174051.3); c.3034G>A, p.Val1012Met (NM_001291101.1); short protein forms V1012M, V1079M, V1081M, V1086M.
Identifiers: ClinVar variation 998913 (VCV000998913.6), dbSNP rs1704146379, ClinGen allele CA352900505.

ClinVar aggregate classification (germline): Uncertain significance (1 of 4 stars; one submission).

Conditions:
Early-infantile DEE. Also called: Early infantile epileptic encephalopathy with suppression bursts; Ohtahara syndrome; Early infantile epileptic encephalopathy. Identifiers: Orphanet 1934, MedGen C0393706, MONDO:0800491.

Allele frequency attached by ClinVar (database versions not stated): gnomAD exomes 0.00001.
gnomAD v4.1: 8 of 1,613,214 alleles (0.0005%); highest among the groups gnomAD compares: Non-Finnish European, 0.00068%; no homozygotes.

Submission:

Labcorp Genetics (formerly Invitae), Labcorp
Classification: Uncertain significance for Early-infantile DEE. Last evaluated: 2020-08-15. Review status: criteria provided, single submitter. Criteria: Invitae Variant Classification Sherloc (09022015). Collection method: clinical testing. Allele origin: germline.
Comment: This sequence change replaces valine with methionine at codon 1079 of the CACNA2D2 protein (p.Val1079Met). The valine residue is moderately conserved and there is a small physicochemical difference between valine and methionine. This variant is not present in population databases (ExAC no frequency). This variant has not been reported in the literature in individuals with CACNA2D2-related conditions. Algorithms developed to predict the effect of missense changes on protein structure and function (SIFT, PolyPhen-2, Align-GVGD) all suggest that this variant is likely to be tolerated, but these predictions have not been confirmed by published functional studies and their clinical significance is uncertain. In summary, the available evidence is currently insufficient to determine the role of this variant in disease. Therefore, it has been classified as a Variant of Uncertain Significance.